The following is an entry in ClinVar:

NM_000289.6(PFKM):c.1857T>C (p.Thr619=)

Gene: PFKM (phosphofructokinase, muscle; plus strand). Cytogenetic location: 12q13.11.
Variant type: single nucleotide variant.
Coding change: c.1857T>C on transcript NM_000289.6 (MANE Select); coding-DNA position 1857, T replaced by C.
Protein change: p.Thr619=; no amino-acid change (threonine 619 retained).
Molecular consequence: synonymous variant. On other transcripts: non-coding transcript variant (6).
Genome position (GRCh38, 1-based): chr12:48,143,791, T>C. VCF-style: chr12-48143791-T-C. GRCh37 (hg19) VCF-style: chr12-48537574-T-C.
Other names: c.1857T>C, p.Thr619= (NM_001166687.2, NM_001166688.2, NM_001354742.2 and 2 more transcripts); c.2070T>C, p.Thr690= (NM_001166686.2, NM_001354737.1, NM_001354738.1 and 1 more transcripts); c.2166T>C, p.Thr722= (NM_001354735.1, NM_001354736.1); c.2001T>C, p.Thr667= (NM_001354740.1); c.1881T>C, p.Thr627= (NM_001354741.2); c.1770T>C, p.Thr590= (NM_001354745.2); c.1731T>C, p.Thr577= (NM_001354746.2); c.1707T>C, p.Thr569= (NM_001354747.2, NM_001354748.2); and 1 more.
Identifiers: ClinVar variation 668502 (VCV000668502.9), dbSNP rs762229855, ClinGen allele CA236519089.
Genomic context (GRCh38, chr12:48,143,791, plus strand): 5'-GGATTTACTCTTTCATTTTCAGGCAAATGTTGAACATCTGGTGCAAAAGATGAAAACAAC[T>C]GTGAAAAGGGGCTTGGTGTTAAGGTACCTCATCCATGGTTTGTTCCTAAATGAAGAAGAA-3'
Protein context (NP_000280.1, residues 609-629): VEHLVQKMKT[Thr619=]VKRGLVLRNE

ClinVar aggregate classification (germline): Likely benign. Review status: criteria provided, multiple submitters, no conflicts (2 of 4 stars). 2 submissions from 2 submitters: Likely benign (2). Last evaluated 2026-01-18.

Conditions:
Glycogen storage disease, type VII (GSD7). Also called: GSD VII; MUSCLE PHOSPHOFRUCTOKINASE DEFICIENCY; PFKM DEFICIENCY; TARUI DISEASE. Identifiers: Orphanet 371, MedGen C0017926, MONDO:0009295, OMIM 232800.

Allele frequency attached by ClinVar (database versions not stated): gnomAD exomes below 0.00001 and 0.00002; gnomAD 0.00001; TOPMed 0.00001.
gnomAD v4.1: 30 of 1,613,084 alleles (0.0019%); highest among the groups gnomAD compares: African/African-American, 0.0027%; no homozygotes.

Submissions (2):

Labcorp Genetics (formerly Invitae), Labcorp
Classification: Likely benign for Glycogen storage disease, type VII. Last evaluated: 2026-01-18. Review status: criteria provided, single submitter. Criteria: Invitae Variant Classification Sherloc (09022015). Collection method: clinical testing. Allele origin: germline.

GeneDx
Classification: Likely benign. Last evaluated: 2018-06-13. Review status: criteria provided, single submitter. Criteria: GeneDx Variant Classification (06012015). Collection method: clinical testing. Allele origin: germline. Affected: yes.
Comment: This variant is considered likely benign or benign based on one or more of the following criteria: it is a conservative change, it occurs at a poorly conserved position in the protein, it is predicted to be benign by multiple in silico algorithms, and/or has population frequency not consistent with disease.